The following is an entry in ClinVar:

NM_024642.5(GALNT12):c.1734G>C (p.Glu578Asp)

Gene: GALNT12 (polypeptide N-acetylgalactosaminyltransferase 12; plus strand). Cytogenetic location: 9q22.33.
Variant type: single nucleotide variant.
Coding change: c.1734G>C on transcript NM_024642.5 (MANE Select); coding-DNA position 1734, G replaced by C.
Protein change: p.Glu578Asp; replaces glutamic acid 578 with aspartic acid.
Molecular consequence: missense variant.
Genome position (GRCh38, 1-based): chr9:98,849,080, G>C. VCF-style: chr9-98849080-G-C. GRCh37 (hg19) VCF-style: chr9-101611362-G-C.
Other names: short protein forms E578D.
Identifiers: ClinVar variation 656545 (VCV000656545.10), dbSNP rs769553219, ClinGen allele CA374223395.

ClinVar aggregate classification (germline): Uncertain significance. Review status: criteria provided, multiple submitters, no conflicts (2 of 4 stars). 2 submissions from 2 submitters: Uncertain significance (2). Last evaluated 2026-07-11.

Submissions (2):

Ambry Genetics
Classification: Uncertain significance. Last evaluated: 2026-07-11. Review status: criteria provided, single submitter. Criteria: Ambry Variant Classification Scheme 2023. Collection method: clinical testing. Allele origin: germline.
Comment: The p.E578D variant (also known as c.1734G>C), located in coding exon 10 of the GALNT12 gene, results from a G to C substitution at nucleotide position 1734. The glutamic acid at codon 578 is replaced by aspartic acid, an amino acid with highly similar properties. This amino acid position is conserved. In addition, this alteration is predicted to be tolerated by in silico analysis. Based on the available evidence, the clinical significance of this variant remains unclear.

Labcorp Genetics (formerly Invitae), Labcorp
Classification: Uncertain significance. Last evaluated: 2018-11-20. Review status: criteria provided, single submitter. Criteria: Invitae Variant Classification Sherloc (09022015). Collection method: clinical testing. Allele origin: germline.
Comment: In summary, the available evidence is currently insufficient to determine the role of this variant in disease. Therefore, it has been classified as a Variant of Uncertain Significance. Algorithms developed to predict the effect of missense changes on protein structure and function are either unavailable or do not agree on the potential impact of this missense change (SIFT: "Tolerated"; PolyPhen-2: "Probably Damaging"; Align-GVGD: "Class C0"). This variant has not been reported in the literature in individuals with GALNT12-related disease. This variant is not present in population databases (ExAC no frequency). This sequence change replaces glutamic acid with aspartic acid at codon 578 of the GALNT12 protein (p.Glu578Asp). The glutamic acid residue is moderately conserved and there is a small physicochemical difference between glutamic acid and aspartic acid.